The following is an entry in ClinVar:

ClinVar aggregate classification (germline): Uncertain significance (1 of 4 stars; one submission).

Submission:

Labcorp Genetics (formerly Invitae), Labcorp
Classification: Uncertain significance. Last evaluated: 2023-11-12. Review status: criteria provided, single submitter. Criteria: Invitae Variant Classification Sherloc (09022015). Collection method: clinical testing. Allele origin: germline.
Comment: This sequence change affects a donor splice site in intron 1 of the PRDM13 gene. It is expected to disrupt RNA splicing. Variants that disrupt the donor or acceptor splice site typically lead to a loss of protein function (PMID: 16199547), however the current clinical and genetic evidence is not sufficient to establish whether loss-of-function variants in PRDM13 cause disease. This variant is not present in population databases (gnomAD no frequency). This variant has not been reported in the literature in individuals affected with PRDM13-related conditions. Algorithms developed to predict the effect of sequence changes on RNA splicing suggest that this variant may disrupt the consensus splice site. In summary, the available evidence is currently insufficient to determine the role of this variant in disease. Therefore, it has been classified as a Variant of Uncertain Significance.

Literature cited by the submitters: PubMed 16199547.

NM_021620.4(PRDM13):c.144+1G>C

Gene: PRDM13 (PR/SET domain 13; plus strand). Cytogenetic location: 6q16.2.
Variant type: single nucleotide variant.
Coding change: c.144+1G>C on transcript NM_021620.4 (MANE Select); the canonical splice donor site of the intron after coding-DNA position 144, G replaced by C.
Molecular consequence: splice donor variant.
Genome position (GRCh38, 1-based): chr6:99,607,179, G>C. VCF-style: chr6-99607179-G-C. GRCh37 (hg19) VCF-style: chr6-100055055-G-C.
Identifiers: ClinVar variation 2771828 (VCV002771828.3), dbSNP rs2114495182, ClinGen allele CA365113320.